The following is an entry in ClinVar:

ClinVar aggregate classification (germline): Uncertain significance. Review status: criteria provided, multiple submitters, no conflicts (2 of 4 stars). 2 submissions from 2 submitters: Uncertain significance (2). Last evaluated 2024-05-10.

Conditions:
Familial hypokalemia-hypomagnesemia (GTLMNS). Also called: HYPOMAGNESEMIA-HYPOKALEMIA, PRIMARY RENOTUBULAR, WITH HYPOCALCIURIA; POTASSIUM AND MAGNESIUM DEPLETION; gitelman syndrome. Identifiers: Orphanet 358, MedGen C0268450, MONDO:0009904, OMIM 263800.

Allele frequency attached by ClinVar (database versions not stated): ExAC 0.00007.

Submissions (2):

Fulgent Genetics
Classification: Uncertain significance for Familial hypokalemia-hypomagnesemia. Last evaluated: 2024-05-10. Review status: criteria provided, single submitter. Criteria: ACMG Guidelines, 2015. Collection method: clinical testing. Allele origin: germline.

Labcorp Genetics (formerly Invitae), Labcorp
Classification: Uncertain significance. Last evaluated: 2022-06-07. Review status: criteria provided, single submitter. Criteria: Invitae Variant Classification Sherloc (09022015). Collection method: clinical testing. Allele origin: germline.
Comment: This sequence change replaces methionine, which is neutral and non-polar, with valine, which is neutral and non-polar, at codon 881 of the SLC12A3 protein (p.Met881Val). This variant is present in population databases (rs757218667, gnomAD 0.05%). This variant has not been reported in the literature in individuals affected with SLC12A3-related conditions. Advanced modeling of protein sequence and biophysical properties (such as structural, functional, and spatial information, amino acid conservation, physicochemical variation, residue mobility, and thermodynamic stability) performed at Invitae indicates that this missense variant is not expected to disrupt SLC12A3 protein function. Algorithms developed to predict the effect of sequence changes on RNA splicing suggest that this variant may disrupt the consensus splice site. In summary, the available evidence is currently insufficient to determine the role of this variant in disease. Therefore, it has been classified as a Variant of Uncertain Significance.

NM_001126108.2(SLC12A3):c.2614A>G (p.Met872Val)

Gene: SLC12A3 (solute carrier family 12 member 3; plus strand). Cytogenetic location: 16q13.
Variant type: single nucleotide variant.
Coding change: c.2614A>G on transcript NM_001126108.2 (MANE Select); coding-DNA position 2614, A replaced by G.
Protein change: p.Met872Val; replaces methionine 872 with valine.
Molecular consequence: missense variant.
Genome position (GRCh38, 1-based): chr16:56,894,623, A>G. VCF-style: chr16-56894623-A-G. GRCh37 (hg19) VCF-style: chr16-56928535-A-G.
Other names: c.2641A>G, p.Met881Val (NM_000339.3); c.2638A>G, p.Met880Val (NM_001126107.2); c.2611A>G, p.Met871Val (NM_001410896.1); short protein forms M881V, M871V, M872V, M880V.
Identifiers: ClinVar variation 2072072 (VCV002072072.2), dbSNP rs757218667, ClinGen allele CA8069982.
Genomic context (GRCh38, chr16:56,894,623, plus strand): 5'-CGCAAGAGGAGGTGGAGCAAATGCAAGATCCGTGTGTTCGTAGGCGGCCAGATTAACAGG[A>G]TGGACCAGGAGAGAAAGGCGTAAGTGTGGAGGGCTGGCCTGGGGGTGACTGCAGGGACCA-3'
Protein context (NP_001119580.2, residues 862-882): RVFVGGQINR[Met872Val]DQERKAIISL